The following is an entry in ClinVar:

NM_001375524.1(TRRAP):c.8267C>T (p.Ala2756Val)

Gene: TRRAP (transformation/transcription domain associated protein; plus strand). Cytogenetic location: 7q22.1.
Variant type: single nucleotide variant.
Coding change: c.8267C>T on transcript NM_001375524.1 (MANE Select); coding-DNA position 8267, C replaced by T.
Protein change: p.Ala2756Val; replaces alanine 2756 with valine.
Molecular consequence: missense variant.
Genome position (GRCh38, 1-based): chr7:98,976,958, C>T. VCF-style: chr7-98976958-C-T. GRCh37 (hg19) VCF-style: chr7-98574581-C-T.
Other names: c.8246C>T (NM_001244580.1); c.8246C>T, p.Ala2749Val (NM_001244580.2); c.8192C>T, p.Ala2731Val (NM_003496.4); c.8192C>T (NM_003496.3); short protein forms A2731V, A2749V, A2756V.
Identifiers: ClinVar variation 2214329 (VCV002214329.9), dbSNP rs147113227, ClinGen allele CA4361389.

ClinVar aggregate classification (germline): Conflicting classifications of pathogenicity. Review status: criteria provided, conflicting classifications (1 of 4 stars). 3 submissions from 3 submitters: Uncertain significance (2); Likely benign (1). Last evaluated 2025-08-13.

Conditions:
Inborn genetic diseases. Identifiers: MedGen C0950123, MeSH D030342.

Allele frequency attached by ClinVar (database versions not stated): TOPMed 0.00003; gnomAD exomes 0.00004; gnomAD 0.00006; ESP Exome Variant Server 0.00008; ExAC 0.00011; 1000 Genomes Project 30x 0.00031; 1000 Genomes Project 0.00060.
gnomAD v4.1: 73 of 1,614,142 alleles (0.0045%); highest among the groups gnomAD compares: South Asian, 0.018%; no homozygotes.

Submissions (3):

Labcorp Genetics (formerly Invitae), Labcorp
Classification: Uncertain significance. Last evaluated: 2025-08-13. Review status: criteria provided, single submitter. Criteria: Invitae Variant Classification Sherloc (09022015). Collection method: clinical testing. Allele origin: germline.
Comment: This sequence change replaces alanine, which is neutral and non-polar, with valine, which is neutral and non-polar, at codon 2731 of the TRRAP protein (p.Ala2731Val). This variant is present in population databases (rs147113227, gnomAD 0.02%). This variant has not been reported in the literature in individuals affected with TRRAP-related conditions. ClinVar contains an entry for this variant (Variation ID: 2214329). Invitae Evidence Modeling of protein sequence and biophysical properties (such as structural, functional, and spatial information, amino acid conservation, physicochemical variation, residue mobility, and thermodynamic stability) indicates that this missense variant is not expected to disrupt TRRAP protein function with a negative predictive value of 80%. In summary, the available evidence is currently insufficient to determine the role of this variant in disease. Therefore, it has been classified as a Variant of Uncertain Significance.

GeneDx
Classification: Uncertain significance. Last evaluated: 2024-11-03. Review status: criteria provided, single submitter. Criteria: GeneDx Variant Classification Process June 2021. Collection method: clinical testing. Allele origin: germline. Affected: yes.
Comment: In silico analysis indicates that this missense variant does not alter protein structure/function; Has not been previously published as pathogenic or benign to our knowledge

Ambry Genetics
Classification: Likely benign for Inborn genetic diseases. Last evaluated: 2022-05-25. Review status: criteria provided, single submitter. Criteria: Ambry Variant Classification Scheme 2023. Collection method: clinical testing. Allele origin: germline.